The following is an entry in ClinVar:

NM_012144.4(DNAI1):c.-116T>C

Genes: DNAI1 (dynein axonemal intermediate chain 1; plus strand), LOC113839546 (Sharpr-MPRA regulatory region 4178; plus strand). Cytogenetic location: 9p13.3.
Variant type: single nucleotide variant.
Coding change: c.-116T>C on transcript NM_012144.4 (MANE Select); 116 bases upstream of the start codon, T replaced by C.
Molecular consequence: 5 prime UTR variant.
Genome position (GRCh38, 1-based): chr9:34,458,890, T>C. VCF-style: chr9-34458890-T-C. GRCh37 (hg19) VCF-style: chr9-34458888-T-C.
Other names: c.-116T>C (NM_001281428.2).
Identifiers: ClinVar variation 913580 (VCV000913580.4), dbSNP rs62619982, ClinGen allele CA192652267.

ClinVar aggregate classification (germline): Likely benign (1 of 4 stars; one submission).

Conditions:
Kartagener syndrome (CILD1). Also called: Dextrocardia bronchiectasis and sinusitis; SIEWERT SYNDROME; CILIARY DYSKINESIA, PRIMARY, 1; CILIARY DYSKINESIA, PRIMARY, 1, WITH OR WITHOUT SITUS INVERSUS; IMMOTILE CILIA SYNDROME; POLYNESIAN BRONCHIECTASIS. Identifiers: Orphanet 244, MedGen C4551906, MONDO:0009484, OMIM 244400.

Allele frequency attached by ClinVar (database versions not stated): gnomAD exomes 0.00048; gnomAD 0.00392 and 0.00418; TOPMed 0.00423; 1000 Genomes Project 0.00499; 1000 Genomes Project 30x 0.00547.
gnomAD v4.1: 985 of 902,200 alleles (0.11%); highest among the groups gnomAD compares: African/African-American, 1.4%; 7 homozygotes.

Submission:

Illumina Laboratory Services, Illumina
Classification: Likely benign for Kartagener syndrome. Last evaluated: 2018-01-12. Review status: criteria provided, single submitter. Criteria: ICSL Variant Classification Criteria 13 December 2019. Collection method: clinical testing. Allele origin: germline.
Comment: This variant was observed in the ICSL laboratory as part of a predisposition screen in an ostensibly healthy population. It had not been previously curated by ICSL or reported in the Human Gene Mutation Database (HGMD: prior to June 1st, 2018), and was therefore a candidate for classification through an automated scoring system. Utilizing variant allele frequency, disease prevalence and penetrance estimates, and inheritance mode, an automated score was calculated to assess if this variant is too frequent to cause the disease. Based on the score and internal cut-off values, a variant classified as likely benign is not then subjected to further curation. The score for this variant resulted in a classification of likely benign for this disease.